The following is an entry in ClinVar:

ClinVar aggregate classification (germline): Uncertain significance (1 of 4 stars; one submission).

Conditions:
Oligodontia-cancer predisposition syndrome. Also called: TOOTH AGENESIS-COLORECTAL CANCER SYNDROME. Identifiers: Orphanet 300576, MedGen C1837750, MONDO:0012075, OMIM 608615. Disease mechanism: loss of function.

Submission:

Labcorp Genetics (formerly Invitae), Labcorp
Classification: Uncertain significance for Oligodontia-cancer predisposition syndrome. Last evaluated: 2022-07-29. Review status: criteria provided, single submitter. Criteria: Invitae Variant Classification Sherloc (09022015). Collection method: clinical testing. Allele origin: germline.
Comment: In summary, the available evidence is currently insufficient to determine the role of this variant in disease. Therefore, it has been classified as a Variant of Uncertain Significance. Algorithms developed to predict the effect of sequence changes on RNA splicing suggest that this variant may create or strengthen a splice site. This variant has not been reported in the literature in individuals affected with AXIN2-related conditions. This variant is not present in population databases (gnomAD no frequency). This sequence change falls in intron 5 of the AXIN2 gene. It does not directly change the encoded amino acid sequence of the AXIN2 protein.

NM_004655.4(AXIN2):c.1201-15C>A

Gene: AXIN2 (axin 2; minus strand). Cytogenetic location: 17q24.1.
Variant type: single nucleotide variant.
Coding change: c.1201-15C>A on transcript NM_004655.4 (MANE Select); 15 bases into the intron before coding-DNA position 1201, C replaced by A.
Molecular consequence: intron variant.
Genome position (GRCh38, 1-based): chr17:65,537,850, G>T on the plus strand (C>A on the coding strand, the complement: AXIN2 is on the minus strand). VCF-style: chr17-65537850-G-T. GRCh37 (hg19) VCF-style: chr17-63533968-G-T.
Other names: c.1201-15C>A (NM_001363813.1).
Identifiers: ClinVar variation 2141550 (VCV002141550.4), dbSNP rs2509418841, ClinGen allele CA2580095031.